The following is an entry in ClinVar:

NM_001142800.2(EYS):c.8322_8325del (p.Gln2774_Lys2775insTer)

Genes: EYS (EGF-like photoreceptor maintenance factor; minus strand), PHF3 (PHD finger protein 3; plus strand). Cytogenetic location: 6q12.
Variant type: Deletion.
Coding change: c.8322_8325del on transcript NM_001142800.2 (MANE Select); coding-DNA positions 8322 to 8325, 4 bases deleted (AAAA; older notation c.8322_8325delAAAA).
Protein change: p.Gln2774_Lys2775insTer.
Molecular consequence: frameshift variant. On other transcripts: 3 prime UTR variant (5).
Genome position (GRCh38, 1-based): chr6:63,721,706-63,721,709, TTTT deleted on the plus strand (AAAA on the coding strand, the reverse complement: EYS is on the minus strand); deleting any 4 consecutive bases within chr6:63,721,706-63,721,710 gives the same sequence; the c. name uses the placement nearest the transcript's 3' end. VCF-style (leftmost placement, unchanged base first): chr6-63721705-CTTTT-C. GRCh37 (hg19) VCF-style: chr6-64431601-CTTTT-C.
Other names: c.*7999_*8002del (NM_001290259.2, NM_001370348.2, NM_001370349.2 and 2 more transcripts); c.8385_8388del, p.Gln2795_Lys2796insTer (NM_001292009.2).
Identifiers: ClinVar variation 2853760 (VCV002853760.3), dbSNP rs1274884825, ClinGen allele CA2578659645.

ClinVar aggregate classification (germline): Pathogenic (1 of 4 stars; one submission).

Submission:

Labcorp Genetics (formerly Invitae), Labcorp
Classification: Pathogenic. Last evaluated: 2024-01-19. Review status: criteria provided, single submitter. Criteria: Invitae Variant Classification Sherloc (09022015). Collection method: clinical testing. Allele origin: germline.
Comment: This sequence change creates a premature translational stop signal (p.Lys2775*) in the EYS gene. While this is not anticipated to result in nonsense mediated decay, it is expected to disrupt the last 370 amino acid(s) of the EYS protein. This variant is not present in population databases (gnomAD no frequency). This variant has not been reported in the literature in individuals affected with EYS-related conditions. This variant disrupts a region of the EYS protein in which other variant(s) (p.Tyr3135*) have been determined to be pathogenic (PMID: 18976725, 29159838, 30337596, 31074760). This suggests that this is a clinically significant region of the protein, and that variants that disrupt it are likely to be disease-causing. For these reasons, this variant has been classified as Pathogenic.

Literature cited by the submitters: PubMed 18976725; PubMed 29159838; PubMed 30337596; PubMed 31074760.